The following is an entry in ClinVar:

NM_005343.4(HRAS):c.134T>A (p.Val45Asp)

Genes: HRAS (HRas proto-oncogene, GTPase; minus strand), LRRC56 (leucine rich repeat containing 56; plus strand). Cytogenetic location: 11p15.5.
Variant type: single nucleotide variant.
Coding change: c.134T>A on transcript NM_005343.4 (MANE Select); coding-DNA position 134, T replaced by A.
Protein change: p.Val45Asp; replaces valine 45 with aspartic acid.
Molecular consequence: missense variant. On other transcripts: 5 prime UTR variant (1).
Genome position (GRCh38, 1-based): chr11:533,922, A>T on the plus strand (T>A on the coding strand, the complement: HRAS is on the minus strand). VCF-style: chr11-533922-A-T. GRCh37 (hg19) VCF-style: chr11-533922-A-T.
Other names: c.134T>A, p.Val45Asp (NM_001130442.3, NM_176795.5); c.-186T>A (NM_001318054.2); short protein forms V45D.
Identifiers: ClinVar variation 1032989 (VCV001032989.11), dbSNP rs1028352031, ClinGen allele CA216882995.

ClinVar aggregate classification (germline): Uncertain significance. Review status: criteria provided, multiple submitters, no conflicts (2 of 4 stars). 3 submissions from 3 submitters: Uncertain significance (3). Last evaluated 2023-01-28.

Conditions:
Cardiovascular phenotype. Identifiers: MedGen CN230736.
Costello syndrome (CSTLO). Also called: HRAS-Related Costello Syndrome; FACIOCUTANEOSKELETAL SYNDROME; FCS SYNDROME. Identifiers: Orphanet 3071, MedGen C0587248, MONDO:0009026, OMIM 218040.

Allele frequency attached by ClinVar (database versions not stated): gnomAD exomes below 0.00001.
gnomAD v4.1: 5 of 1,612,438 alleles (0.00031%); highest among the groups gnomAD compares: Non-Finnish European, 0.00042%; no homozygotes.

Submissions (3):

Ambry Genetics
Classification: Uncertain significance for Cardiovascular phenotype. Last evaluated: 2023-01-28. Review status: criteria provided, single submitter. Criteria: Ambry Variant Classification Scheme 2023. Collection method: clinical testing. Allele origin: germline.
Comment: The p.V45D variant (also known as c.134T>A), located in coding exon 2 of the HRAS gene, results from a T to A substitution at nucleotide position 134. The valine at codon 45 is replaced by aspartic acid, an amino acid with highly dissimilar properties. This amino acid position is conserved. In addition, this alteration is predicted to be deleterious by in silico analysis. Since supporting evidence is limited at this time, the clinical significance of this alteration remains unclear.

Labcorp Genetics (formerly Invitae), Labcorp
Classification: Uncertain significance for Costello syndrome. Last evaluated: 2022-05-12. Review status: criteria provided, single submitter. Criteria: Invitae Variant Classification Sherloc (09022015). Collection method: clinical testing. Allele origin: germline.
Comment: In summary, the available evidence is currently insufficient to determine the role of this variant in disease. Therefore, it has been classified as a Variant of Uncertain Significance. Algorithms developed to predict the effect of missense changes on protein structure and function (SIFT, PolyPhen-2, Align-GVGD) all suggest that this variant is likely to be disruptive. ClinVar contains an entry for this variant (Variation ID: 1032989). This variant has not been reported in the literature in individuals affected with HRAS-related conditions. This variant is not present in population databases (gnomAD no frequency). This sequence change replaces valine, which is neutral and non-polar, with aspartic acid, which is acidic and polar, at codon 45 of the HRAS protein (p.Val45Asp).

Baylor Genetics
Classification: Uncertain significance for Costello syndrome. Last evaluated: 2018-09-25. Review status: criteria provided, single submitter. Criteria: ACMG Guidelines, 2015. Collection method: clinical testing. Allele origin: unknown. Affected: yes.
Comment: This variant was determined to be of uncertain significance according to ACMG Guidelines, 2015 [PMID:25741868].